The following is an entry in ClinVar:

NM_002337.4(LRPAP1):c.145G>T (p.Glu49Ter)

Genes: LRPAP1 (LDL receptor related protein associated protein 1; minus strand), LOC129992120 (ATAC-STARR-seq lymphoblastoid active region 21225; plus strand). Cytogenetic location: 4p16.3.
Variant type: single nucleotide variant.
Coding change: c.145G>T on transcript NM_002337.4 (MANE Select); coding-DNA position 145, G replaced by T.
Protein change: p.Glu49Ter; replaces glutamic acid 49 with a stop codon.
Molecular consequence: nonsense.
Genome position (GRCh38, 1-based): chr4:3,532,268, C>A on the plus strand (G>T on the coding strand, the complement: LRPAP1 is on the minus strand). VCF-style: chr4-3532268-C-A. GRCh37 (hg19) VCF-style: chr4-3533995-C-A.
Other names: short protein forms E49*.
Identifiers: ClinVar variation 4845813 (VCV004845813.1).

ClinVar aggregate classification (germline): Likely pathogenic (1 of 4 stars; one submission).

Conditions:
Myopia 23, autosomal recessive (MYP23). Identifiers: MedGen C3809482, MONDO:0014183, OMIM 615431.

Submission:

First Genomix Gene Laboratory, Genetic Diagnostics Department
Classification: Likely pathogenic for Myopia 23, autosomal recessive. Last evaluated: 2025-03-25. Review status: criteria provided, single submitter. Criteria: ACMG Guidelines, 2015. Collection method: clinical testing. Allele origin: germline. Inheritance: Autosomal recessive inheritance. Affected: no. Observed: 1 variant allele.